The following is an entry in ClinVar:

ClinVar aggregate classification (germline): Uncertain significance (1 of 4 stars; one submission).

Conditions:
Ehlers-Danlos syndrome, spondylodysplastic type, 2 (EDSSPD2). Also called: Ehlers-Danlos syndrome, progeroid type, 2. Identifiers: Orphanet 536467, Orphanet 75496, MedGen C3809210, MONDO:0014139, OMIM 615349.
Spondyloepimetaphyseal dysplasia with joint laxity (SEMDJL). Identifiers: MedGen C0432243, MONDO:0019675.

Submission:

Labcorp Genetics (formerly Invitae), Labcorp
Classification: Uncertain significance for Ehlers-Danlos syndrome, spondylodysplastic type, 2; Spondyloepimetaphyseal dysplasia with joint laxity. Last evaluated: 2022-02-01. Review status: criteria provided, single submitter. Criteria: Invitae Variant Classification Sherloc (09022015). Collection method: clinical testing. Allele origin: germline.
Comment: This variant has not been reported in the literature in individuals affected with B3GALT6-related conditions. This sequence change creates a premature translational stop signal (p.Tyr234*) in the B3GALT6 gene. While this is not anticipated to result in nonsense mediated decay, it is expected to disrupt the last 96 amino acid(s) of the B3GALT6 protein. The frequency data for this variant in the population databases is considered unreliable, as metrics indicate poor data quality at this position in the gnomAD database. In summary, the available evidence is currently insufficient to determine the role of this variant in disease. Therefore, it has been classified as a Variant of Uncertain Significance.

NM_080605.4(B3GALT6):c.702C>G (p.Tyr234Ter)

Gene: B3GALT6 (beta-1,3-galactosyltransferase 6; plus strand). Cytogenetic location: 1p36.33.
Variant type: single nucleotide variant.
Coding change: c.702C>G on transcript NM_080605.4 (MANE Select); coding-DNA position 702, C replaced by G.
Protein change: p.Tyr234Ter; replaces tyrosine 234 with a stop codon.
Molecular consequence: nonsense.
Genome position (GRCh38, 1-based): chr1:1,232,980, C>G. VCF-style: chr1-1232980-C-G. GRCh37 (hg19) VCF-style: chr1-1168360-C-G.
Other names: short protein forms Y234*.
Identifiers: ClinVar variation 2421089 (VCV002421089.5), dbSNP rs776467362, ClinGen allele CA513427.
Genomic context (GRCh38, chr1:1,232,980, plus strand): 5'-GGGCGGCGGCTACGTGCTCTCGGCCGACCTGGTGCACTACCTGCGCCTCAGCCGCGACTA[C>G]CTGCGCGCCTGGCACAGCGAGGACGTGTCTCTGGGCGCCTGGCTGGCGCCGGTGGACGTC-3'